The following is an entry in ClinVar:

NM_001291303.3(FAT4):c.3591T>A (p.His1197Gln)

Gene: FAT4 (FAT atypical cadherin 4; plus strand). Cytogenetic location: 4q28.1.
Variant type: single nucleotide variant.
Coding change: c.3591T>A on transcript NM_001291303.3 (MANE Select); coding-DNA position 3591, T replaced by A.
Protein change: p.His1197Gln; replaces histidine 1197 with glutamine.
Molecular consequence: missense variant.
Genome position (GRCh38, 1-based): chr4:125,320,002, T>A. VCF-style: chr4-125320002-T-A. GRCh37 (hg19) VCF-style: chr4-126241157-T-A.
Other names: c.3591T>A, p.His1197Gln (NM_001291285.3, NM_024582.6); c.3591T>A (NM_024582.4); short protein forms H1197Q.
Identifiers: ClinVar variation 2998787 (VCV002998787.2), dbSNP rs1730861134, ClinGen allele CA358124314.

ClinVar aggregate classification (germline): Uncertain significance. Review status: criteria provided, multiple submitters, no conflicts (2 of 4 stars). 2 submissions from 2 submitters: Uncertain significance (2). Last evaluated 2024-12-02.

Conditions:
Inborn genetic diseases. Identifiers: MedGen C0950123, MeSH D030342.

Allele frequency attached by ClinVar (database versions not stated): gnomAD exomes below 0.00001; TOPMed below 0.00001; gnomAD 0.00001.
gnomAD v4.1: 2 of 1,612,924 alleles (0.00012%); highest among the groups gnomAD compares: Non-Finnish European, 0.00017%; no homozygotes.

Submissions (2):

Ambry Genetics
Classification: Uncertain significance for Inborn genetic diseases. Last evaluated: 2024-12-02. Review status: criteria provided, single submitter. Criteria: Ambry Variant Classification Scheme 2023. Collection method: clinical testing. Allele origin: germline.

Labcorp Genetics (formerly Invitae), Labcorp
Classification: Uncertain significance. Last evaluated: 2023-10-05. Review status: criteria provided, single submitter. Criteria: Invitae Variant Classification Sherloc (09022015). Collection method: clinical testing. Allele origin: germline.
Comment: This sequence change replaces histidine, which is basic and polar, with glutamine, which is neutral and polar, at codon 1197 of the FAT4 protein (p.His1197Gln). This variant is not present in population databases (gnomAD no frequency). This variant has not been reported in the literature in individuals affected with FAT4-related conditions. Advanced modeling of protein sequence and biophysical properties (such as structural, functional, and spatial information, amino acid conservation, physicochemical variation, residue mobility, and thermodynamic stability) performed at Invitae indicates that this missense variant is not expected to disrupt FAT4 protein function. In summary, the available evidence is currently insufficient to determine the role of this variant in disease. Therefore, it has been classified as a Variant of Uncertain Significance.